The following is an entry in ClinVar:

NM_001367721.1(CASK):c.477del (p.Lys159fs)

Gene: CASK (calcium/calmodulin dependent serine protein kinase; minus strand). Cytogenetic location: Xp11.4.
Variant type: Deletion.
Coding change: c.477del on transcript NM_001367721.1 (MANE Select); coding-DNA position 477, one base deleted (A; older notation c.477delA).
Protein change: p.Lys159fs; shifts the reading frame from lysine 159.
Molecular consequence: frameshift variant.
Genome position (GRCh38, 1-based): chrX:41,671,483, T deleted on the plus strand (A on the coding strand, the reverse complement: CASK is on the minus strand); the first of 3 consecutive T bases (chrX:41,671,483-41,671,485); deleting any one gives the same sequence. VCF-style (leftmost placement, unchanged base first): chrX-41671482-GT-G. GRCh37 (hg19) VCF-style: chrX-41530735-GT-G.
Other names: c.477del, p.Lys159fs (NM_001126054.3, NM_001126055.3, NM_001410745.1 and 1 more transcripts); short protein forms K159fs.
Identifiers: ClinVar variation 4755408 (VCV004755408.1).

ClinVar aggregate classification (germline): Likely pathogenic (1 of 4 stars; one submission).

Conditions:
Syndromic X-linked intellectual disability Najm type (MICPCH). Also called: MICPCH SYNDROME; Intellectual developmental disorder and microcephaly with pontine and cerebellar hypoplasia; Intellectual Disability and Microcephaly with Pontine and Cerebellar Hypoplasia; Mental retardation and microcephaly with pontine and cerebellar hypoplasia; MENTAL RETARDATION, X-LINKED, SYNDROMIC, NAJM TYPE; Intellectual Disability and Microcephaly with Pontine and Cerebellar Hypoplasia (MICPCH). Identifiers: Orphanet 163937, MedGen C2677903, MONDO:0010417, OMIM 300749.

Submission:

Ozbek Human Genetics Laboratory, Izmir Biomedicine and Genome Center
Classification: Likely pathogenic for Syndromic X-linked intellectual disability Najm type. Last evaluated: 2025-10-20. Review status: criteria provided, single submitter. Criteria: ACMG Guidelines, 2015. Collection method: research. Allele origin: de novo. Inheritance: X-linked inheritance. Affected: yes. Observed: 1 heterozygote.
Comment: Musculoskeletal and dysmorphic features included extremity contractures, mild scoliosis, congenital hip dysplasia, high palate, flat nasal bridge, broad nasal tip, and micrognathia. Whole exome sequencing identified a novel heterozygous CASK frameshift variant (c.477del; p.Lys159Asnfs*7), classified as likely pathogenic (PVS1, PM2). While inheritance could not be determined due to lack of parental segregation, the phenotype is consistent with MICPCH.